The following is an entry in ClinVar:

NM_012418.4(FSCN2):c.1420T>C (p.Ser474Pro)

Gene: FSCN2 (fascin actin-bundling protein 2, retinal; plus strand). Cytogenetic location: 17q25.3.
Variant type: single nucleotide variant.
Coding change: c.1420T>C on transcript NM_012418.4 (MANE Select); coding-DNA position 1420, T replaced by C.
Protein change: p.Ser474Pro; replaces serine 474 with proline.
Molecular consequence: missense variant.
Genome position (GRCh38, 1-based): chr17:81,537,021, T>C. VCF-style: chr17-81537021-T-C. GRCh37 (hg19) VCF-style: chr17-79504047-T-C.
Other names: c.1492T>C, p.Ser498Pro (NM_001077182.3); short protein forms S498P, S474P.
Identifiers: ClinVar variation 1393443 (VCV001393443.6), dbSNP rs1040169734, ClinGen allele CA295085958.

ClinVar aggregate classification (germline): Uncertain significance (1 of 4 stars; one submission).

Submission:

Labcorp Genetics (formerly Invitae), Labcorp
Classification: Uncertain significance. Last evaluated: 2021-11-15. Review status: criteria provided, single submitter. Criteria: Invitae Variant Classification Sherloc (09022015). Collection method: clinical testing. Allele origin: germline.
Comment: In summary, the available evidence is currently insufficient to determine the role of this variant in disease. Therefore, it has been classified as a Variant of Uncertain Significance. Algorithms developed to predict the effect of missense changes on protein structure and function (SIFT, PolyPhen-2, Align-GVGD) all suggest that this variant is likely to be tolerated. This variant has not been reported in the literature in individuals affected with FSCN2-related conditions. This variant is not present in population databases (gnomAD no frequency). This sequence change replaces serine, which is neutral and polar, with proline, which is neutral and non-polar, at codon 498 of the FSCN2 protein (p.Ser498Pro).